The following is an entry in ClinVar:

ClinVar aggregate classification (germline): Uncertain significance. Review status: criteria provided, multiple submitters, no conflicts (2 of 4 stars). 2 submissions from 2 submitters: Uncertain significance (2). Last evaluated 2025-12-04.

Conditions:
Inborn genetic diseases. Identifiers: MedGen C0950123, MeSH D030342.

Allele frequency attached by ClinVar (database versions not stated): TOPMed 0.00001; gnomAD 0.00003; ESP Exome Variant Server 0.00008; ExAC 0.00002; gnomAD exomes 0.00001.
gnomAD v4.1: 19 of 1,613,616 alleles (0.0012%); highest among the groups gnomAD compares: Non-Finnish European, 0.0016%; no homozygotes.

Submissions (2):

Ambry Genetics
Classification: Uncertain significance for Inborn genetic diseases. Last evaluated: 2025-12-04. Review status: criteria provided, single submitter. Criteria: Ambry Variant Classification Scheme 2023. Collection method: clinical testing. Allele origin: germline.

Labcorp Genetics (formerly Invitae), Labcorp
Classification: Uncertain significance. Last evaluated: 2022-04-30. Review status: criteria provided, single submitter. Criteria: Invitae Variant Classification Sherloc (09022015). Collection method: clinical testing. Allele origin: germline.
Comment: This sequence change replaces lysine, which is basic and polar, with arginine, which is basic and polar, at codon 1907 of the DMXL2 protein (p.Lys1907Arg). This variant is present in population databases (rs367791081, gnomAD 0.007%). This variant has not been reported in the literature in individuals affected with DMXL2-related conditions. Algorithms developed to predict the effect of missense changes on protein structure and function are either unavailable or do not agree on the potential impact of this missense change (SIFT: "Tolerated"; PolyPhen-2: "Possibly Damaging"; Align-GVGD: "Class C0"). In summary, the available evidence is currently insufficient to determine the role of this variant in disease. Therefore, it has been classified as a Variant of Uncertain Significance.

NM_001378457.1(DMXL2):c.5720A>G (p.Lys1907Arg)

Gene: DMXL2 (Dmx like 2; minus strand). Cytogenetic location: 15q21.2.
Variant type: single nucleotide variant.
Coding change: c.5720A>G on transcript NM_001378457.1 (MANE Select); coding-DNA position 5720, A replaced by G.
Protein change: p.Lys1907Arg; replaces lysine 1907 with arginine.
Molecular consequence: missense variant. On other transcripts: non-coding transcript variant (2).
Genome position (GRCh38, 1-based): chr15:51,481,386, T>C on the plus strand (A>G on the coding strand, the complement: DMXL2 is on the minus strand). VCF-style: chr15-51481386-T-C. GRCh37 (hg19) VCF-style: chr15-51773583-T-C.
Other names: c.5720A>G (NM_001174116.1); c.5720A>G, p.Lys1907Arg (NM_001174116.3, NM_001378458.1, NM_001378459.1 and 4 more transcripts); c.3812A>G, p.Lys1271Arg (NM_001174117.3); c.3701A>G, p.Lys1234Arg (NM_001378460.1); c.5480A>G, p.Lys1827Arg (NM_001378464.1); short protein forms K1234R, K1907R, K1271R, K1827R.
Identifiers: ClinVar variation 1968994 (VCV001968994.5), dbSNP rs367791081, ClinGen allele CA7561757.
Genomic context (GRCh38, chr15:51,481,386, plus strand): 5'-ATGAAGTCAGGCTGATCTTTTTTTGCAGATAAGGCAGATGTTTTGGTTACTTTTGGAATT[T>C]TGGAGAGTACCTCCAAGGCTAAAACAGGGCATCCAACTTTAAAATGAGCATTTGCAGTGG-3'
Protein context (NP_001365386.1, residues 1897-1917): CPVLALEVLS[Lys1907Arg]IPKVTKTSAL